The following is an entry in ClinVar:

ClinVar aggregate classification (germline): Uncertain significance. Review status: criteria provided, multiple submitters, no conflicts (2 of 4 stars). 2 submissions from 2 submitters: Uncertain significance (2). Last evaluated 2024-12-24.

Conditions:
Inborn genetic diseases. Identifiers: MedGen C0950123, MeSH D030342.

Allele frequency attached by ClinVar (database versions not stated): gnomAD exomes 0.00001.
gnomAD v4.1: 5 of 1,613,916 alleles (0.00031%); highest among the groups gnomAD compares: Non-Finnish European, 0.00042%; no homozygotes.

Submissions (2):

Women's Health and Genetics/Laboratory Corporation of America, LabCorp
Classification: Uncertain significance. Last evaluated: 2024-12-24. Review status: criteria provided, single submitter. Criteria: LabCorp Variant Classification Summary - May 2015. Collection method: clinical testing. Allele origin: germline.
Comment: Variant summary: SETX c.1259A>G (p.Asp420Gly) results in a non-conservative amino acid change in the encoded protein sequence. Five of five in-silico tools predict a damaging effect of the variant on protein function. The variant was absent in 251086 control chromosomes. The available data on variant occurrences in the general population are insufficient to allow any conclusion about variant significance. To our knowledge, no occurrence of c.1259A>G in individuals affected with Spinocerebellar ataxia, autosomal recessive, with axonal neuropathy 2 and no experimental evidence demonstrating its impact on protein function have been reported. ClinVar contains an entry for this variant (Variation ID: 2493277). Based on the evidence outlined above, the variant was classified as uncertain significance.

Ambry Genetics
Classification: Uncertain significance for Inborn genetic diseases. Last evaluated: 2023-03-02. Review status: criteria provided, single submitter. Criteria: Ambry Variant Classification Scheme 2023. Collection method: clinical testing. Allele origin: germline.

NM_015046.7(SETX):c.1259A>G (p.Asp420Gly)

Gene: SETX (senataxin; minus strand). Cytogenetic location: 9q34.13.
Variant type: single nucleotide variant.
Coding change: c.1259A>G on transcript NM_015046.7 (MANE Select); coding-DNA position 1259, A replaced by G.
Protein change: p.Asp420Gly; replaces aspartic acid 420 with glycine.
Molecular consequence: missense variant.
Genome position (GRCh38, 1-based): chr9:132,330,339, T>C on the plus strand (A>G on the coding strand, the complement: SETX is on the minus strand). VCF-style: chr9-132330339-T-C. GRCh37 (hg19) VCF-style: chr9-135205726-T-C.
Other names: c.1259A>G, p.Asp420Gly (NM_001351527.2, NM_001351528.2); short protein forms D420G.
Identifiers: ClinVar variation 2493277 (VCV002493277.3), dbSNP rs2539135861, ClinGen allele CA375345006.